The following is an entry in ClinVar:

NM_138576.4(BCL11B):c.2060G>A (p.Arg687His)

Gene: BCL11B (BCL11 transcription factor B; minus strand). Cytogenetic location: 14q32.2.
Variant type: single nucleotide variant.
Coding change: c.2060G>A on transcript NM_138576.4 (MANE Select); coding-DNA position 2060, G replaced by A.
Protein change: p.Arg687His; replaces arginine 687 with histidine.
Molecular consequence: missense variant.
Genome position (GRCh38, 1-based): chr14:99,174,776, C>T on the plus strand (G>A on the coding strand, the complement: BCL11B is on the minus strand). VCF-style: chr14-99174776-C-T. GRCh37 (hg19) VCF-style: chr14-99641113-C-T.
Other names: c.2057G>A, p.Arg686His (NM_001282237.2); c.1844G>A, p.Arg615His (NM_001282238.2); c.1847G>A, p.Arg616His (NM_022898.3); short protein forms R615H, R616H, R686H, R687H.
Identifiers: ClinVar variation 1718312 (VCV001718312.5), dbSNP rs868859021, ClinGen allele CA266105068.

ClinVar aggregate classification (germline): Uncertain significance (1 of 4 stars; one submission).

gnomAD v4.1: 2 of 1,464,202 alleles (0.00014%); highest among the groups gnomAD compares: Non-Finnish European, 0.00018%; no homozygotes.

Submission:

Labcorp Genetics (formerly Invitae), Labcorp
Classification: Uncertain significance. Last evaluated: 2022-10-05. Review status: criteria provided, single submitter. Criteria: Invitae Variant Classification Sherloc (09022015). Collection method: clinical testing. Allele origin: germline.
Comment: In summary, the available evidence is currently insufficient to determine the role of this variant in disease. Therefore, it has been classified as a Variant of Uncertain Significance. Advanced modeling of protein sequence and biophysical properties (such as structural, functional, and spatial information, amino acid conservation, physicochemical variation, residue mobility, and thermodynamic stability) performed at Invitae indicates that this missense variant is not expected to disrupt BCL11B protein function. This variant has not been reported in the literature in individuals affected with BCL11B-related conditions. This variant is not present in population databases (gnomAD no frequency). This sequence change replaces arginine, which is basic and polar, with histidine, which is basic and polar, at codon 687 of the BCL11B protein (p.Arg687His).